The following is an entry in ClinVar:

NM_020223.4(FAM20C):c.1228T>A (p.Ser410Thr)

Gene: FAM20C (FAM20C golgi associated secretory pathway kinase; plus strand). Cytogenetic location: 7p22.3.
Variant type: single nucleotide variant.
Coding change: c.1228T>A on transcript NM_020223.4 (MANE Select); coding-DNA position 1228, T replaced by A.
Protein change: p.Ser410Thr; replaces serine 410 with threonine.
Molecular consequence: missense variant.
Genome position (GRCh38, 1-based): chr7:256,004, T>A. VCF-style: chr7-256004-T-A. GRCh37 (hg19) VCF-style: chr7-295970-T-A.
Other names: short protein forms S410T.
Identifiers: ClinVar variation 289269 (VCV000289269.50), dbSNP rs148276213, ClinGen allele CA4109135.

ClinVar aggregate classification (germline): Conflicting classifications of pathogenicity. Review status: criteria provided, conflicting classifications (1 of 4 stars). 8 submissions from 8 submitters: Uncertain significance (1); Benign (2); Likely benign (4). 1 of the submissions does not count toward it. Last evaluated 2026-09-01.

Conditions:
Lethal osteosclerotic bone dysplasia (RNS). Also called: Osteomalacia, sclerosing, with cerebral calcification. Identifiers: Orphanet 1832, MedGen C1850106, MONDO:0009821, OMIM 259775.
Hypophosphataemia or rickets.

Allele frequency attached by ClinVar (database versions not stated): gnomAD exomes 0.00481 and 0.00603; ExAC 0.00482; gnomAD 0.00582 and 0.00591; TOPMed 0.00305; 1000 Genomes Project 30x 0.00312; 1000 Genomes Project 0.00339; ESP Exome Variant Server 0.00613.
gnomAD v4.1: 9,150 of 1,535,878 alleles (0.6%); highest among the groups gnomAD compares: Non-Finnish European, 0.6%; 53 homozygotes.

Submissions (8):

CeGaT Center for Human Genetics Tuebingen
Classification: Benign. Last evaluated: 2026-09-01. Review status: criteria provided, single submitter. Criteria: CeGaT Center For Human Genetics Tuebingen Variant Classification Criteria Version 2. Collection method: clinical testing. Allele origin: germline. Affected: yes. Observed: 10 variant alleles.
Comment: FAM20C: BS1, BS2

Labcorp Genetics (formerly Invitae), Labcorp
Classification: Likely benign. Last evaluated: 2026-01-26. Review status: criteria provided, single submitter. Criteria: Invitae Variant Classification Sherloc (09022015). Collection method: clinical testing. Allele origin: germline.

Cambridge Genomics Laboratory, East Genomic Laboratory Hub, NHS Genomic Medicine Service
Classification: Uncertain significance for Hypophosphataemia or rickets. Last evaluated: 2024-11-12. Review status: criteria provided, single submitter. Criteria: ACGS Best Practice Guidelines for Variant Classification in Rare Disease 2020. Collection method: clinical testing. Allele origin: germline. Affected: yes.
Comment: BS1_Strong

Molecular Genetics, Royal Melbourne Hospital
Classification: Likely benign for Lethal osteosclerotic bone dysplasia. Last evaluated: 2023-05-04. Review status: criteria provided, single submitter. Criteria: ACMG Guidelines, 2015. Collection method: clinical testing. Allele origin: germline. Affected: yes.
Comment: European Non-Finnish population allele frequency is 0.5092% (rs148276213, 674/140078 alleles, 2 homozygotes in gnomAD v2.1). Based on the classification scheme RMH Modified ACMG/AMP Guidelines v1.5.1, this variant is classified as LIKELY BENIGN. Following criteria are met: BS1

Fulgent Genetics
Classification: Likely benign for Lethal osteosclerotic bone dysplasia. Last evaluated: 2021-08-09. Review status: criteria provided, single submitter. Criteria: ACMG Guidelines, 2015. Collection method: clinical testing. Allele origin: unknown.

Eurofins Ntd Llc (ga)
Classification: Benign. Last evaluated: 2016-08-30. Review status: criteria provided, single submitter. Criteria: EGL Classification Definitions 2015. Collection method: clinical testing. Allele origin: germline. Observed: 1 variant allele, 1 heterozygote.

Breakthrough Genomics
Classification: Likely benign. Review status: criteria provided, single submitter. Criteria: ACMG Guidelines, 2015. Collection method: not provided. Allele origin: germline. Inheritance: Autosomal recessive inheritance. Affected: yes.

Foundation for Research in Genetics and Endocrinology, FRIGE's Institute of Human Genetics
Classification: Likely pathogenic for Lethal osteosclerotic bone dysplasia. Last evaluated: 2017-01-17. Review status: no assertion criteria provided. Collection method: clinical testing. Allele origin: germline. Inheritance: Autosomal recessive inheritance. Affected: yes. Observed: 1 variant allele, 1 homozygote. Not counted in ClinVar's aggregate classification.
Comment: The observed mutation is reported in 1000 Genomes and ExAC databases. The in silico prediction of the mutation is damaging by MutationTaster2 and PROVEAN. The given mutation is probably damaging by Polyphen2 and it is benign by SIFT. The dbSNP reference number of the given mutation is rs148276213.